The following is an entry in ClinVar:

ClinVar aggregate classification (germline): Uncertain significance (1 of 4 stars; one submission).

Conditions:
Generalized epilepsy with febrile seizures plus, type 9 (GEFSP9). Also called: GEFS+, TYPE 9. Identifiers: Orphanet 36387, MedGen C4015395, MONDO:0014517, OMIM 616172.

Submission:

Labcorp Genetics (formerly Invitae), Labcorp
Classification: Uncertain significance for Generalized epilepsy with febrile seizures plus, type 9. Last evaluated: 2021-07-28. Review status: criteria provided, single submitter. Criteria: Invitae Variant Classification Sherloc (09022015). Collection method: clinical testing. Allele origin: germline.
Comment: This variant is not present in population databases (ExAC no frequency). This sequence change replaces glycine with arginine at codon 283 of the STX1B protein (p.Gly283Arg). The glycine residue is moderately conserved and there is a moderate physicochemical difference between glycine and arginine. This variant has not been reported in the literature in individuals affected with STX1B-related conditions. Algorithms developed to predict the effect of missense changes on protein structure and function are either unavailable or do not agree on the potential impact of this missense change (SIFT: "Tolerated"; PolyPhen-2: "Probably Damaging"; Align-GVGD: "Class C0"). In summary, the available evidence is currently insufficient to determine the role of this variant in disease. Therefore, it has been classified as a Variant of Uncertain Significance.

NM_052874.5(STX1B):c.847G>C (p.Gly283Arg)

Gene: STX1B (syntaxin 1B; minus strand). Cytogenetic location: 16p11.2.
Variant type: single nucleotide variant.
Coding change: c.847G>C on transcript NM_052874.5 (MANE Select); coding-DNA position 847, G replaced by C.
Protein change: p.Gly283Arg; replaces glycine 283 with arginine.
Molecular consequence: missense variant.
Genome position (GRCh38, 1-based): chr16:30,992,841, C>G on the plus strand (G>C on the coding strand, the complement: STX1B is on the minus strand). VCF-style: chr16-30992841-C-G. GRCh37 (hg19) VCF-style: chr16-31004162-C-G.
Other names: short protein forms G283R.
Identifiers: ClinVar variation 1508404 (VCV001508404.6), dbSNP rs2143660672, ClinGen allele CA395645842.